The following is an entry in ClinVar:

ClinVar aggregate classification (germline): Uncertain significance. Review status: criteria provided, multiple submitters, no conflicts (2 of 4 stars). 2 submissions from 2 submitters: Uncertain significance (2). Last evaluated 2022-09-05.

Conditions:
DICER1-related tumor predisposition. Also called: DICER1 syndrome; DICER1-related pleuropulmonary blastoma cancer predisposition syndrome. Identifiers: Orphanet 284343, MedGen C3839822, MONDO:0100216.
Hereditary cancer-predisposing syndrome. Also called: Hereditary Cancer Syndrome; Neoplastic Syndromes, Hereditary; Tumor predisposition; Hereditary neoplastic syndrome. Identifiers: Orphanet 140162, MedGen C0027672, MeSH D009386, MONDO:0015356.

Allele frequency attached by ClinVar (database versions not stated): gnomAD exomes below 0.00001.
gnomAD v4.1: 1 of 1,611,268 alleles (0.000062%); highest among the groups gnomAD compares: Non-Finnish European, 0.000085%; no homozygotes.

Submissions (2):

Ambry Genetics
Classification: Uncertain significance for Hereditary cancer-predisposing syndrome. Last evaluated: 2022-09-05. Review status: criteria provided, single submitter. Criteria: Ambry Variant Classification Scheme 2023. Collection method: clinical testing. Allele origin: germline.
Comment: The p.F260L variant (also known as c.778T>C), located in coding exon 6 of the DICER1 gene, results from a T to C substitution at nucleotide position 778. The phenylalanine at codon 260 is replaced by leucine, an amino acid with highly similar properties. This amino acid position is conserved. In addition, this alteration is predicted to be tolerated by in silico analysis. Since supporting evidence is limited at this time, the clinical significance of this alteration remains unclear.

Labcorp Genetics (formerly Invitae), Labcorp
Classification: Uncertain significance for DICER1-related tumor predisposition. Last evaluated: 2021-05-08. Review status: criteria provided, single submitter. Criteria: Invitae Variant Classification Sherloc (09022015). Collection method: clinical testing. Allele origin: germline.
Comment: This variant is not present in population databases (ExAC no frequency). This variant has not been reported in the literature in individuals with DICER1-related conditions. Algorithms developed to predict the effect of missense changes on protein structure and function are either unavailable or do not agree on the potential impact of this missense change (SIFT: "Deleterious"; PolyPhen-2: "Benign"; Align-GVGD: "Class C0"). In summary, the available evidence is currently insufficient to determine the role of this variant in disease. Therefore, it has been classified as a Variant of Uncertain Significance. This sequence change replaces phenylalanine with leucine at codon 260 of the DICER1 protein (p.Phe260Leu). The phenylalanine residue is moderately conserved and there is a small physicochemical difference between phenylalanine and leucine.

NM_177438.3(DICER1):c.778T>C (p.Phe260Leu)

Gene: DICER1 (dicer 1, ribonuclease III; minus strand). Cytogenetic location: 14q32.13.
Variant type: single nucleotide variant.
Coding change: c.778T>C on transcript NM_177438.3 (MANE Select); coding-DNA position 778, T replaced by C.
Protein change: p.Phe260Leu; replaces phenylalanine 260 with leucine.
Molecular consequence: missense variant.
Genome position (GRCh38, 1-based): chr14:95,126,705, A>G on the plus strand (T>C on the coding strand, the complement: DICER1 is on the minus strand). VCF-style: chr14-95126705-A-G. GRCh37 (hg19) VCF-style: chr14-95593042-A-G.
Other names: c.778T>C, p.Phe260Leu (NM_001195573.1, NM_001271282.3, NM_001291628.2 and 1 more transcripts); short protein forms F260L.
Identifiers: ClinVar variation 1352324 (VCV001352324.11), dbSNP rs2140233877, ClinGen allele CA390887820.
Genomic context (GRCh38, chr14:95,126,705, plus strand): 5'-AATTAAGTGCTTCTTCTAATTCCATCAGCAGTCTTTCATAAAGCCCACTTCTGTCAGTAA[A>G]TGGTCCACAATCCACCACAATCTCACATGGCTGAGAAGTATACCTTTAACATAAGAAACA-3'
Protein context (NP_803187.1, residues 250-270): PCEIVVDCGP[Phe260Leu]TDRSGLYERL